The following is an entry in ClinVar:

NM_001378454.1(ALMS1):c.5496A>G (p.Arg1832=)

Gene: ALMS1 (ALMS1 centrosome and basal body associated protein; plus strand). Cytogenetic location: 2p13.1.
Variant type: single nucleotide variant.
Coding change: c.5496A>G on transcript NM_001378454.1 (MANE Select); coding-DNA position 5496, A replaced by G.
Protein change: p.Arg1832=; no amino-acid change (arginine 1832 retained).
Molecular consequence: synonymous variant.
Genome position (GRCh38, 1-based): chr2:73,452,023, A>G. VCF-style: chr2-73452023-A-G. GRCh37 (hg19) VCF-style: chr2-73679150-A-G.
Other names: c.5499A>G, p.Arg1833= (NM_015120.4); c.5493A>G (NM_015120.4).
Identifiers: ClinVar variation 666655 (VCV000666655.13), dbSNP rs1572936704, ClinGen allele CA427022259.

ClinVar aggregate classification (germline): Likely benign. Review status: criteria provided, multiple submitters, no conflicts (2 of 4 stars). 2 submissions from 2 submitters: Likely benign (2). Last evaluated 2025-12-28.

Conditions:
Alstrom syndrome (ALMS). Identifiers: Orphanet 64, MedGen C0268425, MONDO:0008763, OMIM 203800.

Submissions (2):

Labcorp Genetics (formerly Invitae), Labcorp
Classification: Likely benign for Alstrom syndrome. Last evaluated: 2025-12-28. Review status: criteria provided, single submitter. Criteria: Invitae Variant Classification Sherloc (09022015). Collection method: clinical testing. Allele origin: germline.

Laboratory for Molecular Medicine, Mass General Brigham Personalized Medicine
Classification: Likely benign. Last evaluated: 2019-03-01. Review status: criteria provided, single submitter. Criteria: LMM Criteria. Collection method: clinical testing. Allele origin: germline. Observed: 1 variant allele.
Comment: The p.Arg1833Arg variant in ALMS1 is classified as likely benign because it does not alter an amino acid residue, it is not located within the splice consensus sequence, and splice prediction algorithms do not predict a newly created splice site. ACMG/AMP Criteria applied: BP4, BP7.